The following is an entry in ClinVar:

ClinVar aggregate classification (germline): Uncertain significance (1 of 4 stars; one submission).

Conditions:
Developmental and epileptic encephalopathy 94 (DEE94). Also called: CHD2-Related Neurodevelopmental Disorders; Epileptic encephalopathy, childhood-onset. Identifiers: Orphanet 1942, Orphanet 2382, MedGen C3809278, MONDO:0014150, OMIM 615369.

Submission:

Labcorp Genetics (formerly Invitae), Labcorp
Classification: Uncertain significance for Developmental and epileptic encephalopathy 94. Last evaluated: 2024-11-06. Review status: criteria provided, single submitter. Criteria: Invitae Variant Classification Sherloc (09022015). Collection method: clinical testing. Allele origin: germline.
Comment: This sequence change replaces proline, which is neutral and non-polar, with serine, which is neutral and polar, at codon 1039 of the CHD2 protein (p.Pro1039Ser). This variant is not present in population databases (gnomAD no frequency). This variant has not been reported in the literature in individuals affected with CHD2-related conditions. Invitae Evidence Modeling of protein sequence and biophysical properties (such as structural, functional, and spatial information, amino acid conservation, physicochemical variation, residue mobility, and thermodynamic stability) indicates that this missense variant is not expected to disrupt CHD2 protein function with a negative predictive value of 95%. In summary, the available evidence is currently insufficient to determine the role of this variant in disease. Therefore, it has been classified as a Variant of Uncertain Significance.

NM_001271.4(CHD2):c.3115C>T (p.Pro1039Ser)

Gene: CHD2 (chromodomain helicase DNA binding protein 2; plus strand). Cytogenetic location: 15q26.1.
Variant type: single nucleotide variant.
Coding change: c.3115C>T on transcript NM_001271.4 (MANE Select); coding-DNA position 3115, C replaced by T.
Protein change: p.Pro1039Ser; replaces proline 1039 with serine.
Molecular consequence: missense variant.
Genome position (GRCh38, 1-based): chr15:92,984,378, C>T. VCF-style: chr15-92984378-C-T. GRCh37 (hg19) VCF-style: chr15-93527608-C-T.
Other names: short protein forms P1039S.
Identifiers: ClinVar variation 3623412 (VCV003623412.2).